The following is an entry in ClinVar:

NM_058195.4(CDKN2A):c.140T>C (p.Leu47Pro)

Gene: CDKN2A (cyclin dependent kinase inhibitor 2A; minus strand). Cytogenetic location: 9p21.3.
Variant type: single nucleotide variant.
Coding change: c.140T>C on transcript NM_058195.4 (MANE Plus Clinical); coding-DNA position 140, T replaced by C.
Protein change: p.Leu47Pro; replaces leucine 47 with proline.
Molecular consequence: missense variant. On other transcripts: intron variant (1).
Genome position (GRCh38, 1-based): chr9:21,994,192, A>G on the plus strand (T>C on the coding strand, the complement: CDKN2A is on the minus strand). VCF-style: chr9-21994192-A-G. GRCh37 (hg19) VCF-style: chr9-21994191-A-G.
Other names: c.-4+629T>C (NM_001363763.2); short protein forms L47P.
Identifiers: ClinVar variation 1509774 (VCV001509774.4), dbSNP rs2131148222, ClinGen allele CA373086870.

ClinVar aggregate classification (germline): Uncertain significance. Review status: criteria provided, multiple submitters, no conflicts (2 of 4 stars). 3 submissions from 3 submitters: Uncertain significance (3). Last evaluated 2024-05-14.

Conditions:
Hereditary cancer-predisposing syndrome. Also called: Neoplastic Syndromes, Hereditary; Tumor predisposition; Hereditary Cancer Syndrome; Hereditary neoplastic syndrome. Identifiers: Orphanet 140162, MedGen C0027672, MeSH D009386, MONDO:0015356.
Familial melanoma. Also called: Hereditary melanoma; Hereditary cutaneous melanoma. Identifiers: Orphanet 618, MedGen C1512419, MONDO:0018961.

Submissions (3):

Ambry Genetics
Classification: Uncertain significance for Hereditary cancer-predisposing syndrome. Last evaluated: 2024-05-14. Review status: criteria provided, single submitter. Criteria: Ambry Variant Classification Scheme 2023. Collection method: clinical testing. Allele origin: germline.
Comment: The p.L47P variant (also known as c.140T>C), located in coding exon 1 of the CDKN2A (p14ARF) gene, results from a T to C substitution at nucleotide position 140. The leucine at codon 47 is replaced by proline, an amino acid with similar properties. This amino acid position is well conserved in available vertebrate species. Based on the available evidence, the clinical significance of this variant remains unclear.

GeneDx
Classification: Uncertain significance. Last evaluated: 2022-11-22. Review status: criteria provided, single submitter. Criteria: GeneDx Variant Classification Process June 2021. Collection method: clinical testing. Allele origin: germline. Affected: yes.
Comment: Not observed at significant frequency in large population cohorts (gnomAD); Has not been previously published as pathogenic or benign to our knowledge; This variant is associated with the following publications: (PMID: 9653180, 16173922, 9529249)

Labcorp Genetics (formerly Invitae), Labcorp
Classification: Uncertain significance for Familial melanoma. Last evaluated: 2021-10-15. Review status: criteria provided, single submitter. Criteria: Invitae Variant Classification Sherloc (09022015). Collection method: clinical testing. Allele origin: germline.
Comment: This sequence change replaces leucine with proline at codon 47 of the CDKN2A (p14ARF) protein (p.Leu47Pro). The leucine residue is highly conserved and there is a moderate physicochemical difference between leucine and proline. This variant is not present in population databases (ExAC no frequency). This variant has not been reported in the literature in individuals affected with CDKN2A (p14ARF)-related conditions. Algorithms developed to predict the effect of missense changes on protein structure and function (SIFT, PolyPhen-2, Align-GVGD) all suggest that this variant is likely to be disruptive. In summary, the available evidence is currently insufficient to determine the role of this variant in disease. Therefore, it has been classified as a Variant of Uncertain Significance.